The following is an entry in ClinVar:

NM_000214.3(JAG1):c.2572+1G>T

Gene: JAG1 (jagged canonical Notch ligand 1; minus strand). Cytogenetic location: 20p12.2.
Variant type: single nucleotide variant.
Coding change: c.2572+1G>T on transcript NM_000214.3 (MANE Select); the canonical splice donor site of the intron after coding-DNA position 2572, G replaced by T.
Molecular consequence: splice donor variant.
Genome position (GRCh38, 1-based): chr20:10,642,487, C>A on the plus strand (G>T on the coding strand, the complement: JAG1 is on the minus strand). VCF-style: chr20-10642487-C-A. GRCh37 (hg19) VCF-style: chr20-10623135-C-A.
Identifiers: ClinVar variation 2138334 (VCV002138334.5), dbSNP rs2514510396, ClinGen allele CA408245455.
Genomic context (GRCh38, chr20:10,642,487, plus strand): 5'-GTGACTGCAAAGCTCGCTCACCCCAGAAGACCCATGGGCAGCTGAAGCCTGGCACACATA[C>A]CTTCCTGGCACTTGGCACCACTGTGCCCTGGAGGGCAGACACACCGGTAGCCATTGATCT-3'

ClinVar aggregate classification (germline): Pathogenic/Likely pathogenic. Review status: criteria provided, multiple submitters, no conflicts (2 of 4 stars). 2 submissions from 2 submitters: Pathogenic (1); Likely pathogenic (1). Last evaluated 2025-06-10.

Conditions:
Alagille syndrome due to a JAG1 point mutation. Also called: HEPATIC DUCTULAR HYPOPLASIA, SYNDROMATIC; JAG1-Related Alagille Syndrome; Alagille Syndrome 1. Identifiers: Orphanet 261619, Orphanet 52, MedGen C1956125, MONDO:0016862, OMIM 118450.

Submissions (2):

GeneDx
Classification: Likely pathogenic. Last evaluated: 2025-06-10. Review status: criteria provided, single submitter. Criteria: GeneDx Variant Classification Process June 2021. Collection method: clinical testing. Allele origin: germline. Affected: yes.
Comment: Canonical splice site variant predicted to result in an in-frame loss of the adjacent exon in a gene for which loss of function is a known mechanism of disease; Not observed at significant frequency in large population cohorts (gnomAD); This variant is associated with the following publications: (PMID: 21752016, 22488849)

Labcorp Genetics (formerly Invitae), Labcorp
Classification: Pathogenic for Alagille syndrome due to a JAG1 point mutation. Last evaluated: 2023-04-09. Review status: criteria provided, single submitter. Criteria: Invitae Variant Classification Sherloc (09022015). Collection method: clinical testing. Allele origin: germline.
Comment: Disruption of this splice site has been observed in individual(s) with Alagille syndrome (PMID: 22488849, 26076142). For these reasons, this variant has been classified as Pathogenic. Algorithms developed to predict the effect of sequence changes on RNA splicing suggest that this variant may disrupt the consensus splice site. ClinVar contains an entry for this variant (Variation ID: 2138334). This variant is not present in population databases (gnomAD no frequency). This sequence change affects a donor splice site in intron 21 of the JAG1 gene. It is expected to disrupt RNA splicing. Variants that disrupt the donor or acceptor splice site typically lead to a loss of protein function (PMID: 16199547), and loss-of-function variants in JAG1 are known to be pathogenic (PMID: 11180599).

Literature cited by the submitters: PubMed 22488849 (cited by Labcorp Genetics (formerly Invitae), Labcorp); PubMed 26076142 (cited by Labcorp Genetics (formerly Invitae), Labcorp); PubMed 16199547 (cited by Labcorp Genetics (formerly Invitae), Labcorp); PubMed 11180599 (cited by Labcorp Genetics (formerly Invitae), Labcorp).